The following is an entry in ClinVar:

NM_000141.5(FGFR2):c.1977G>T (p.Lys659Asn)

Gene: FGFR2 (fibroblast growth factor receptor 2; minus strand). Cytogenetic location: 10q26.13.
Variant type: single nucleotide variant.
Coding change: c.1977G>T on transcript NM_000141.5 (MANE Select); coding-DNA position 1977, G replaced by T.
Protein change: p.Lys659Asn; replaces lysine 659 with asparagine.
Molecular consequence: missense variant. On other transcripts: non-coding transcript variant (1).
Genome position (GRCh38, 1-based): chr10:121,488,000, C>A on the plus strand (G>T on the coding strand, the complement: FGFR2 is on the minus strand). VCF-style: chr10-121488000-C-A. GRCh37 (hg19) VCF-style: chr10-123247514-C-A.
Other names: c.1980G>T, p.Lys660Asn (NM_001144913.1, NM_022970.4); c.1641G>T, p.Lys547Asn (NM_001144914.1); c.1710G>T, p.Lys570Asn (NM_001144915.2, NM_023029.3); c.1632G>T, p.Lys544Asn (NM_001144916.2); c.1629G>T, p.Lys543Asn (NM_001144917.2); c.1626G>T, p.Lys542Asn (NM_001144918.2); c.1713G>T, p.Lys571Asn (NM_001144919.2); c.1293G>T, p.Lys431Asn (NM_001320654.2); and 1 more; short protein forms K431N, K542N, K543N, K544N, K547N, K570N, K571N, K657N.
Identifiers: ClinVar variation 1698211 (VCV001698211.7), dbSNP rs1589722765, ClinGen allele CA378314114.

ClinVar aggregate classification (germline): Pathogenic. Review status: criteria provided, multiple submitters, no conflicts (2 of 4 stars). 2 submissions from 2 submitters: Pathogenic (2). Last evaluated 2022-07-19.

Conditions:
FGFR2-related craniosynostosis. Identifiers: MedGen CN231480.

Submissions (2):

GeneDx
Classification: Pathogenic. Last evaluated: 2022-07-19. Review status: criteria provided, single submitter. Criteria: GeneDx Variant Classification Process June 2021. Collection method: clinical testing. Allele origin: germline. Affected: yes.
Comment: Published functional studies demonstrate a gain-of-function effect whereby the p.(K659N) variant activates FGFR2 kinase in a partially ligand-independent fashion (Chen et al., 2013); Not observed at significant frequency in large population cohorts (gnomAD); This variant is associated with the following publications: (PMID: 28990276, 11781872, 23754559, 23871672)

Labcorp Genetics (formerly Invitae), Labcorp
Classification: Pathogenic for FGFR2-related craniosynostosis. Last evaluated: 2022-07-01. Review status: criteria provided, single submitter. Criteria: Invitae Variant Classification Sherloc (09022015). Collection method: clinical testing. Allele origin: germline.
Comment: For these reasons, this variant has been classified as Pathogenic. Experimental studies have shown that this missense change affects FGFR2 function (PMID: 17803937). Algorithms developed to predict the effect of missense changes on protein structure and function (SIFT, PolyPhen-2, Align-GVGD) all suggest that this variant is likely to be disruptive. This missense change has been observed in individual(s) with FGFR2-related craniosynostosis (PMID: 11781872, 16418739, 28990276; Invitae). In at least one individual the variant was observed to be de novo. This variant is not present in population databases (gnomAD no frequency). This sequence change replaces lysine, which is basic and polar, with asparagine, which is neutral and polar, at codon 659 of the FGFR2 protein (p.Lys659Asn).

Literature cited by the submitters: PubMed 17803937 (cited by Labcorp Genetics (formerly Invitae), Labcorp); PubMed 11781872 (cited by Labcorp Genetics (formerly Invitae), Labcorp); PubMed 16418739 (cited by Labcorp Genetics (formerly Invitae), Labcorp); PubMed 28990276 (cited by Labcorp Genetics (formerly Invitae), Labcorp).